The following is an entry in ClinVar:

ClinVar aggregate classification (germline): Conflicting classifications of pathogenicity. Review status: criteria provided, conflicting classifications (1 of 4 stars). 5 submissions from 5 submitters: Uncertain significance (2); Benign (1); Likely benign (1). 1 of the submissions does not count toward it. Last evaluated 2025-10-20.

Conditions:
Cardiac anomalies - developmental delay - facial dysmorphism syndrome (MRFACD). Also called: Impaired intellectual development and distinctive facial features with or without cardiac defects; MED13L Syndrome. Identifiers: Orphanet 369891, MedGen C5192431, MONDO:0014773, OMIM 616789.
Dextro-looped transposition of the great arteries. Also called: Dextrotransposition of the great arteries. Identifiers: Orphanet 860, MedGen C3531771, MONDO:0019443, OMIM 608808, HP:0031348.
MED13L-related disorder. Also called: MED13L-related condition.
Inborn genetic diseases. Identifiers: MedGen C0950123, MeSH D030342.

Allele frequency attached by ClinVar (database versions not stated): ExAC 0.00010; gnomAD exomes 0.00011 and 0.00020; TOPMed 0.00012; gnomAD 0.00015 and 0.00016; 1000 Genomes Project 30x 0.00016; 1000 Genomes Project 0.00020; ESP Exome Variant Server 0.00023.
gnomAD v4.1: 311 of 1,614,040 alleles (0.019%); highest among the groups gnomAD compares: Non-Finnish European, 0.023%; 2 homozygotes.

Submissions (5):

Labcorp Genetics (formerly Invitae), Labcorp
Classification: Benign for Dextro-looped transposition of the great arteries. Last evaluated: 2025-10-20. Review status: criteria provided, single submitter. Criteria: Invitae Variant Classification Sherloc (09022015). Collection method: clinical testing. Allele origin: germline.

Ambry Genetics
Classification: Likely benign for Inborn genetic diseases. Last evaluated: 2021-08-12. Review status: criteria provided, single submitter. Criteria: Ambry Variant Classification Scheme 2023. Collection method: clinical testing. Allele origin: germline.

Fulgent Genetics
Classification: Uncertain significance for Dextro-looped transposition of the great arteries; Cardiac anomalies - developmental delay - facial dysmorphism syndrome. Last evaluated: 2018-10-31. Review status: criteria provided, single submitter. Criteria: ACMG Guidelines, 2015. Collection method: clinical testing. Allele origin: unknown.

Breakthrough Genomics
Classification: Uncertain significance. Review status: criteria provided, single submitter. Criteria: ACMG Guidelines, 2015. Collection method: not provided. Allele origin: germline. Inheritance: Autosomal dominant inheritance. Affected: yes.

PreventionGenetics, part of Exact Sciences
Classification: Likely benign for MED13L-related condition. Last evaluated: 2021-03-16. Review status: no assertion criteria provided. Collection method: clinical testing. Allele origin: germline. Not counted in ClinVar's aggregate classification.
Comment: This variant is classified as likely benign based on ACMG/AMP sequence variant interpretation guidelines (Richards et al. 2015 PMID: 25741868, with internal and published modifications).

NM_015335.5(MED13L):c.3517G>A (p.Gly1173Ser)

Gene: MED13L (mediator complex subunit 13L; minus strand). Cytogenetic location: 12q24.21.
Variant type: single nucleotide variant.
Coding change: c.3517G>A on transcript NM_015335.5 (MANE Select); coding-DNA position 3517, G replaced by A.
Protein change: p.Gly1173Ser; replaces glycine 1173 with serine.
Molecular consequence: missense variant.
Genome position (GRCh38, 1-based): chr12:115,991,437, C>T on the plus strand (G>A on the coding strand, the complement: MED13L is on the minus strand). VCF-style: chr12-115991437-C-T. GRCh37 (hg19) VCF-style: chr12-116429242-C-T.
Other names: short protein forms G1173S.
Identifiers: ClinVar variation 464490 (VCV000464490.13), dbSNP rs201987892, ClinGen allele CA6810974.